The following is an entry in ClinVar:

ClinVar aggregate classification (germline): Uncertain significance (1 of 4 stars; one submission).

Conditions:
Hereditary pancreatitis (PCTT). Also called: Hereditary chronic pancreatitis; PRSS1-Related Hereditary Pancreatitis. Identifiers: Orphanet 676, MedGen C0238339, MONDO:0008185, OMIM 167800.

Submission:

Ambry Genetics
Classification: Uncertain significance for Hereditary pancreatitis. Last evaluated: 2023-01-08. Review status: criteria provided, single submitter. Criteria: Ambry Variant Classification Scheme 2023. Collection method: clinical testing. Allele origin: germline.
Comment: The p.S113F variant (also known as c.338C>T), located in coding exon 3 of the CPA1 gene, results from a C to T substitution at nucleotide position 338. The serine at codon 113 is replaced by phenylalanine, an amino acid with highly dissimilar properties. This amino acid position is conserved. In addition, this alteration is predicted to be tolerated by in silico analysis. Since supporting evidence is limited at this time, the clinical significance of this alteration remains unclear.

NM_001868.4(CPA1):c.338C>T (p.Ser113Phe)

Gene: CPA1 (carboxypeptidase A1; plus strand). Cytogenetic location: 7q32.2.
Variant type: single nucleotide variant.
Coding change: c.338C>T on transcript NM_001868.4 (MANE Select); coding-DNA position 338, C replaced by T.
Protein change: p.Ser113Phe; replaces serine 113 with phenylalanine.
Molecular consequence: missense variant.
Genome position (GRCh38, 1-based): chr7:130,381,820, C>T. VCF-style: chr7-130381820-C-T. GRCh37 (hg19) VCF-style: chr7-130021661-C-T.
Other names: short protein forms S113F.
Identifiers: ClinVar variation 2448271 (VCV002448271.2), dbSNP rs2536005495, ClinGen allele CA369280410.
Genomic context (GRCh38, chr7:130,381,820, plus strand): 5'-TGCAGTCGCTGCTGGACGAGGAGCAGGAGCAGATGTTCGCCTTCCGGTCCCGGGCGCGCT[C>T]CACCGACACTTTTAACTACGCCACCTACCACACCCTGGAGGAGGTGAGGGCGCCCCTAGC-3'
Protein context (NP_001859.1, residues 103-123): QMFAFRSRAR[Ser113Phe]TDTFNYATYH